The following is an entry in ClinVar:

NM_001318852.2(MAPK8IP3):c.4008del (p.Glu1337fs)

Gene: MAPK8IP3 (mitogen-activated protein kinase 8 interacting protein 3; plus strand). Cytogenetic location: 16p13.3.
Variant type: Deletion.
Coding change: c.4008del on transcript NM_001318852.2 (MANE Select); coding-DNA position 4008, one base deleted (C; older notation c.4008delC).
Protein change: p.Glu1337fs; shifts the reading frame from glutamic acid 1337.
Molecular consequence: frameshift variant.
Genome position (GRCh38, 1-based): chr16:1,768,818, C deleted; the last of 5 consecutive C bases (chr16:1,768,814-1,768,818); deleting any one gives the same sequence. VCF-style (leftmost placement, unchanged base first): chr16-1768813-AC-A. GRCh37 (hg19) VCF-style: chr16-1818814-AC-A.
Other names: c.3987del, p.Glu1330fs (NM_001040439.2); c.4005del, p.Glu1336fs (NM_015133.5); short protein forms E1330fs, E1336fs, E1337fs.
Identifiers: ClinVar variation 1312449 (VCV001312449.2), dbSNP rs2141963068, ClinGen allele CA2573054155.

ClinVar aggregate classification (germline): Uncertain significance (1 of 4 stars; one submission).

Submission:

GeneDx
Classification: Uncertain significance. Last evaluated: 2019-10-01. Review status: criteria provided, single submitter. Criteria: GeneDx Variant Classification Process June 2021. Collection method: clinical testing. Allele origin: germline. Affected: yes.
Comment: Not observed in large population cohorts (Lek et al., 2016); Frameshift variant predicted to result in protein truncation as the last amino acids is lost and replaced with 12 incorrect amino acids, although loss-of-function variants have not been reported downstream of this position in the protein; Has not been previously published as pathogenic or benign to our knowledge